The following is an entry in ClinVar:

ClinVar aggregate classification (germline): Uncertain significance (1 of 4 stars; one submission).

Conditions:
Glycogen storage disease, type II (IOPD). Also called: Pompe Disease; CARDIOMEGALIA GLYCOGENICA DIFFUSA; GLYCOGENOSIS, GENERALIZED, CARDIAC FORM; GSD II; POMPE DISEASE, INFANTILE-ONSET; GLYCOGEN STORAGE DISEASE II, INFANTILE-ONSET. Identifiers: Orphanet 365, MedGen C0017921, MONDO:0009290, OMIM 232300.

Submission:

Genomenon, Inc
Classification: Uncertain significance for Glycogen storage disease, type II. Last evaluated: 2026-07-01. Review status: criteria provided, single submitter. Criteria: Genomenon Sequence Variant Interpretation Standards - Updated. Collection method: curation. Allele origin: germline. Affected: yes.
Comment: GAA p.Asp459dup (c.1377_1379dup) is an in-frame duplication variant that results in the duplication of Aspartic acid at codon 459. This variant has been observed in at least one proband with a GAA-related disorder (PMID:25085675). It is absent or not present at a significant frequency in gnomAD. In conclusion, we classify GAA p.Asp459dup (c.1377_1379dup) as a variant of uncertain significance.

Literature cited by the submitters: PubMed 25085675.

NM_000152.5(GAA):c.1374CGA[3] (p.Asp459_Glu460insAsp)

Gene: GAA (alpha glucosidase; plus strand). Cytogenetic location: 17q25.3.
Variant type: Microsatellite.
Coding change: c.1374CGA[3] on transcript NM_000152.5 (MANE Select); three copies in a row of the 3-base unit CGA starting at c.1374; the reference has two copies in a row; one copy, 3 bases duplicated; also written c.1377_1379dup.
Protein change: p.Asp459_Glu460insAsp.
Molecular consequence: inframe insertion.
Genome position (GRCh38, 1-based): chr17:80,109,995-80,109,997, CGA duplicated; duplicating any 3 consecutive bases within chr17:80,109,991-80,109,997 gives the same sequence; the position shown is the placement nearest the transcript's 3' end. VCF-style (leftmost placement, unchanged base first): chr17-80109990-T-TACG. GRCh37 (hg19) VCF-style: chr17-78083789-T-TACG.
Other names: c.1374CGA[3], p.Asp459_Glu460insAsp (NM_001079803.3, NM_001079804.3, NM_001406741.1 and 1 more transcripts); c.1377_1379dup (NM_000152.5).
Identifiers: ClinVar variation 4876472 (VCV004876472.1).
Genomic context (GRCh38, chr17:80,109,990, plus strand): 5'-TTTCCCTCTTCCCAGGATCCTGCCATCAGCAGCTCGGGCCCTGCCGGGAGCTACAGGCCC[T>TACG]ACGACGAGGGTCTGCGGAGGGGGGTTTTCATCACCAACGAGACCGGCCAGCCGCTGATTG-3'